The following is an entry in ClinVar:

ClinVar aggregate classification (germline): Uncertain significance. Review status: criteria provided, multiple submitters, no conflicts (2 of 4 stars). 2 submissions from 2 submitters: Uncertain significance (2). Last evaluated 2026-01-14.

Conditions:
Cardiovascular phenotype. Identifiers: MedGen CN230736.
RASopathy. Also called: rasopathies; Noonan spectrum disorder. Identifiers: Orphanet 536391, MedGen C5555857, MONDO:0021060.

Allele frequency attached by ClinVar (database versions not stated): gnomAD exomes 0.00001.
gnomAD v4.1: 3 of 1,613,620 alleles (0.00019%); highest among the groups gnomAD compares: Non-Finnish European, 0.00017%; no homozygotes.

Submissions (2):

Ambry Genetics
Classification: Uncertain significance for Cardiovascular phenotype. Last evaluated: 2026-01-14. Review status: criteria provided, single submitter. Criteria: Ambry Variant Classification Scheme 2023. Collection method: clinical testing. Allele origin: germline.
Comment: The c.2296C>T (p.H766Y) alteration is located in exon 18 (coding exon 18) of the BRAF gene. This alteration results from a C to T substitution at nucleotide position 2296, causing the histidine (H) at amino acid position 766 to be replaced by a tyrosine (Y). Based on data from gnomAD, the T allele has an overall frequency of <0.001% (1/251482) total alleles studied. The highest observed frequency was <0.001% (/) of alleles. Based on insufficient or conflicting evidence, the clinical significance of this alteration remains unclear.

Labcorp Genetics (formerly Invitae), Labcorp
Classification: Uncertain significance for RASopathy. Last evaluated: 2023-05-19. Review status: criteria provided, single submitter. Criteria: Invitae Variant Classification Sherloc (09022015). Collection method: clinical testing. Allele origin: germline.
Comment: In summary, the available evidence is currently insufficient to determine the role of this variant in disease. Therefore, it has been classified as a Variant of Uncertain Significance. Advanced modeling of protein sequence and biophysical properties (such as structural, functional, and spatial information, amino acid conservation, physicochemical variation, residue mobility, and thermodynamic stability) performed at Invitae indicates that this missense variant is not expected to disrupt BRAF protein function. This variant has not been reported in the literature in individuals affected with BRAF-related conditions. This variant is present in population databases (no rsID available, gnomAD 0.01%). This sequence change replaces histidine, which is basic and polar, with tyrosine, which is neutral and polar, at codon 766 of the BRAF protein (p.His766Tyr).

NM_004333.6(BRAF):c.2296C>T (p.His766Tyr)

Gene: BRAF (B-Raf proto-oncogene, serine/threonine kinase; minus strand). Cytogenetic location: 7q34.
Variant type: single nucleotide variant.
Coding change: c.2296C>T on transcript NM_004333.6 (MANE Select); coding-DNA position 2296, C replaced by T.
Protein change: p.His766Tyr; replaces histidine 766 with tyrosine.
Molecular consequence: missense variant. On other transcripts: intron variant (9).
Genome position (GRCh38, 1-based): chr7:140,734,602, G>A on the plus strand (C>T on the coding strand, the complement: BRAF is on the minus strand). VCF-style: chr7-140734602-G-A. GRCh37 (hg19) VCF-style: chr7-140434402-G-A.
Other names: c.2125+15C>T (NM_001378472.1); c.2017+15C>T (NM_001378475.1); c.2170+15C>T (NM_001378471.1); c.2127+5210C>T (NM_001378468.1, NM_001378474.1); c.2281+15C>T (NM_001354609.2); c.2401+15C>T (NM_001374258.1); c.2290+15C>T (NM_001378467.1); c.2416C>T, p.His806Tyr (NM_001374244.1); and 3 more; short protein forms H744Y, H714Y, H766Y, H806Y.
Identifiers: ClinVar variation 3021504 (VCV003021504.4), dbSNP rs1317051737, ClinGen allele CA369536928.